The following is an entry in ClinVar:

NM_000322.5(PRPH2):c.670C>T (p.Gln224Ter)

Gene: PRPH2 (peripherin 2; minus strand). Cytogenetic location: 6p21.1.
Variant type: single nucleotide variant.
Coding change: c.670C>T on transcript NM_000322.5 (MANE Select); coding-DNA position 670, C replaced by T.
Protein change: p.Gln224Ter; replaces glutamine 224 with a stop codon.
Molecular consequence: nonsense.
Genome position (GRCh38, 1-based): chr6:42,704,523, G>A on the plus strand (C>T on the coding strand, the complement: PRPH2 is on the minus strand). VCF-style: chr6-42704523-G-A. GRCh37 (hg19) VCF-style: chr6-42672261-G-A.
Other names: short protein forms Q224*.
Identifiers: ClinVar variation 3653704 (VCV003653704.2).

ClinVar aggregate classification (germline): Pathogenic (1 of 4 stars; one submission).

Conditions:
PRPH2-related disorder. Also called: PRPH2-related disorders; PRPH2-related condition. Identifiers: MedGen CN239395.

Submission:

Labcorp Genetics (formerly Invitae), Labcorp
Classification: Pathogenic for PRPH2-related disorder. Last evaluated: 2024-05-17. Review status: criteria provided, single submitter. Criteria: Invitae Variant Classification Sherloc (09022015). Collection method: clinical testing. Allele origin: germline.
Comment: This sequence change creates a premature translational stop signal (p.Gln224*) in the PRPH2 gene. It is expected to result in an absent or disrupted protein product. Loss-of-function variants in PRPH2 are known to be pathogenic (PMID: 8111389, 8485575, 8485576, 8675410, 16916875, 17504850, 22863181, 25675413, 26061163, 27365499, 29555955, 33546218). This variant is not present in population databases (gnomAD no frequency). This variant has not been reported in the literature in individuals affected with PRPH2-related conditions. For these reasons, this variant has been classified as Pathogenic.

Literature cited by the submitters: PubMed 8111389; PubMed 8485575; PubMed 8485576; PubMed 8675410; PubMed 16916875; PubMed 17504850; PubMed 22863181; PubMed 25675413; PubMed 26061163; PubMed 27365499; PubMed 29555955; PubMed 33546218.